The following is an entry in ClinVar:

ClinVar aggregate classification (germline): Uncertain significance (1 of 4 stars; one submission).

Allele frequency attached by ClinVar (database versions not stated): gnomAD exomes below 0.00001; gnomAD 0.00001; ExAC 0.00003.
gnomAD v4.1: 5 of 1,613,978 alleles (0.00031%); highest among the groups gnomAD compares: East Asian, 0.011%; no homozygotes.

Submission:

Labcorp Genetics (formerly Invitae), Labcorp
Classification: Uncertain significance. Last evaluated: 2022-06-23. Review status: criteria provided, single submitter. Criteria: Invitae Variant Classification Sherloc (09022015). Collection method: clinical testing. Allele origin: germline.
Comment: This sequence change affects codon 1729 of the LCT mRNA. It is a 'silent' change, meaning that it does not change the encoded amino acid sequence of the LCT protein. In summary, the available evidence is currently insufficient to determine the role of this variant in disease. Therefore, it has been classified as a Variant of Uncertain Significance. Algorithms developed to predict the effect of sequence changes on RNA splicing suggest that this variant may create or strengthen a splice site. This variant has not been reported in the literature in individuals affected with LCT-related conditions. This variant is present in population databases (rs765699436, gnomAD 0.04%).

NM_002299.4(LCT):c.5187C>T (p.Phe1729=)

Gene: LCT (lactase; minus strand). Cytogenetic location: 2q21.3.
Variant type: single nucleotide variant.
Coding change: c.5187C>T on transcript NM_002299.4 (MANE Select); coding-DNA position 5187, C replaced by T.
Protein change: p.Phe1729=; no amino-acid change (phenylalanine 1729 retained).
Molecular consequence: synonymous variant.
Genome position (GRCh38, 1-based): chr2:135,790,806, G>A on the plus strand (C>T on the coding strand, the complement: LCT is on the minus strand). VCF-style: chr2-135790806-G-A. GRCh37 (hg19) VCF-style: chr2-136548376-G-A.
Identifiers: ClinVar variation 2009726 (VCV002009726.4), dbSNP rs765699436, ClinGen allele CA1887670.
Genomic context (GRCh38, chr2:135,790,806, plus strand): 5'-CTCTGTGACATAAATTGGAGGGTCATTGTATTCCTCCTTTAACCAGTTCAGGATCCTCCT[G>A]AAGCCAAAAGGCGTCATCTTCAGCCAGAAGGAGCCAGAGTCTGGCCACGAGCGATCTGCG-3'
Protein context (NP_002290.2, residues 1719-1739): SFWLKMTPFG[Phe1729=]RRILNWLKEE